The following is an entry in ClinVar:

NM_130466.4(UBE3B):c.351T>G (p.Tyr117Ter)

Gene: UBE3B (ubiquitin protein ligase E3B; plus strand). Cytogenetic location: 12q24.11.
Variant type: single nucleotide variant.
Coding change: c.351T>G on transcript NM_130466.4 (MANE Select); coding-DNA position 351, T replaced by G.
Protein change: p.Tyr117Ter; replaces tyrosine 117 with a stop codon.
Molecular consequence: nonsense.
Genome position (GRCh38, 1-based): chr12:109,486,479, T>G. VCF-style: chr12-109486479-T-G. GRCh37 (hg19) VCF-style: chr12-109924284-T-G.
Other names: c.351T>G, p.Tyr117Ter (NM_001270449.2, NM_001270450.2, NM_001270451.2 and 1 more transcripts); short protein forms Y117*.
Identifiers: ClinVar variation 829809 (VCV000829809.2), dbSNP rs1592882265, ClinGen allele CA386630087.

ClinVar aggregate classification (germline): Pathogenic. Review status: criteria provided, multiple submitters, no conflicts (2 of 4 stars). 2 submissions from 2 submitters: Pathogenic (2). Last evaluated 2024-07-08.

Conditions:
Oculocerebrofacial syndrome, Kaufman type. Also called: Blepharophimosis-ptosis-intellectual disability syndrome. Identifiers: Orphanet 2707, MedGen C1855663, MONDO:0009485, OMIM 244450.

Submissions (2):

GeneDx
Classification: Pathogenic. Last evaluated: 2024-07-08. Review status: criteria provided, single submitter. Criteria: GeneDx Variant Classification Process June 2021. Collection method: clinical testing. Allele origin: germline. Affected: yes.
Comment: Reported in an individual with Kaufman oculocerebrofacial syndrome (PMID: 34930662); Nonsense variant predicted to result in protein truncation or nonsense mediated decay in a gene for which loss-of-function is a known mechanism of disease; Not observed at significant frequency in large population cohorts (gnomAD); This variant is associated with the following publications: (PMID: 34930662)

HudsonAlpha Institute for Biotechnology
Classification: Pathogenic for Oculocerebrofacial syndrome, Kaufman type. Last evaluated: 2019-10-23. Review status: criteria provided, single submitter. Criteria: ACMG Guidelines, 2015. Collection method: research. Allele origin: maternal. Affected: yes. Observed: 1 variant allele. Study: CSER-SouthSeq.
Comment: ACMG codes: PVS1, PM2, PM3